The following is an entry in ClinVar:

ClinVar aggregate classification (germline): Benign. Review status: criteria provided, multiple submitters, no conflicts (2 of 4 stars). 6 submissions from 6 submitters: Benign (6). Last evaluated 2026-01-19.

Conditions:
Telangiectasia, hereditary hemorrhagic, type 2 (HHT2). Also called: ACVRL1-Related Hereditary Hemorrhagic Telangiectasia; Telangiectasia, hereditary hemorrhagic, type II. Identifiers: Orphanet 774, MedGen C1838163, MONDO:0010880, OMIM 600376. Disease mechanism: loss of function.

Allele frequency attached by ClinVar (database versions not stated): gnomAD exomes 0.40439 and 0.44115; 1000 Genomes Project 0.43670; 1000 Genomes Project 30x 0.43879; TOPMed 0.45053; ExAC 0.45775; gnomAD 0.46276 and 0.46706; ESP Exome Variant Server 0.47818.
gnomAD v4.1: 700,114 of 1,579,214 alleles (44%); highest among the groups gnomAD compares: African/African-American, 56%; 158,084 homozygotes.

Submissions (6):

Labcorp Genetics (formerly Invitae), Labcorp
Classification: Benign for Telangiectasia, hereditary hemorrhagic, type 2. Last evaluated: 2026-01-19. Review status: criteria provided, single submitter. Criteria: Invitae Variant Classification Sherloc (09022015). Collection method: clinical testing. Allele origin: germline.

ARUP Laboratories, Molecular Genetics and Genomics, ARUP Laboratories
Classification: Benign for Telangiectasia, hereditary hemorrhagic, type 2. Last evaluated: 2022-09-13. Review status: criteria provided, single submitter. Criteria: ARUP Molecular Germline Variant Investigation Process 2021. Collection method: clinical testing. Allele origin: germline.

Genome-Nilou Lab
Classification: Benign for Telangiectasia, hereditary hemorrhagic, type 2. Last evaluated: 2021-07-14. Review status: criteria provided, single submitter. Criteria: ACMG Guidelines, 2015. Collection method: clinical testing. Allele origin: germline. Affected: no.

GeneDx
Classification: Benign. Last evaluated: 2018-06-26. Review status: criteria provided, single submitter. Criteria: GeneDx Variant Classification Process June 2021. Collection method: clinical testing. Allele origin: germline. Affected: yes.
Comment: This variant is associated with the following publications: (PMID: 16179574, 16776339, 25847705)

Breakthrough Genomics
Classification: Benign. Review status: criteria provided, single submitter. Criteria: ACMG Guidelines, 2015. Collection method: not provided. Allele origin: germline. Inheritance: Autosomal dominant inheritance. Affected: yes.

PreventionGenetics, part of Exact Sciences
Classification: Benign. Review status: criteria provided, single submitter. Criteria: ACMG Guidelines, 2015. Collection method: clinical testing. Allele origin: germline.

NM_000020.3(ACVRL1):c.314-35A>G

Gene: ACVRL1 (activin A receptor like type 1; plus strand). Cytogenetic location: 12q13.13.
Variant type: single nucleotide variant.
Coding change: c.314-35A>G on transcript NM_000020.3 (MANE Select); 35 bases into the intron before coding-DNA position 314, A replaced by G.
Molecular consequence: intron variant.
Genome position (GRCh38, 1-based): chr12:51,913,524, A>G. VCF-style: chr12-51913524-A-G. GRCh37 (hg19) VCF-style: chr12-52307308-A-G.
Other names: c.314-35A>G (NM_001077401.2).
Identifiers: ClinVar variation 254710 (VCV000254710.26), dbSNP rs2071219, ClinGen allele CA6572881.
Genomic context (GRCh38, chr12:51,913,524, plus strand): 5'-GGCAGGACTCTGGGATCTAACTGGCAGAGTGGTCTGGCCCGAGGTGGGGGGAGCTGACCT[A>G]GTGGAAGCTGAGCCTCAGTGTCCCCCTCCCTCAGCCACCCAACCTCCTTCGGAGCAGCCG-3'